The following is an entry in ClinVar:

NM_006231.4(POLE):c.5812-1G>A

Gene: POLE (DNA polymerase epsilon, catalytic subunit; minus strand). Cytogenetic location: 12q24.33.
Variant type: single nucleotide variant.
Coding change: c.5812-1G>A on transcript NM_006231.4 (MANE Select); the canonical splice acceptor site of the intron before coding-DNA position 5812, G replaced by A.
Molecular consequence: splice acceptor variant.
Genome position (GRCh38, 1-based): chr12:132,634,379, C>T on the plus strand (G>A on the coding strand, the complement: POLE is on the minus strand). VCF-style: chr12-132634379-C-T. GRCh37 (hg19) VCF-style: chr12-133210965-C-T.
Identifiers: ClinVar variation 825989 (VCV000825989.13), dbSNP rs1296022681, ClinGen allele CA387371931.

ClinVar aggregate classification (germline): Conflicting classifications of pathogenicity. Review status: criteria provided, conflicting classifications (1 of 4 stars). 2 submissions from 2 submitters: Likely pathogenic (1); Uncertain significance (1). Last evaluated 2026-01-09.

Conditions:
Hereditary cancer-predisposing syndrome. Also called: Hereditary Cancer Syndrome; Tumor predisposition; Neoplastic Syndromes, Hereditary; Hereditary neoplastic syndrome. Identifiers: Orphanet 140162, MedGen C0027672, MeSH D009386, MONDO:0015356.

Submissions (2):

Ambry Genetics
Classification: Uncertain significance for Hereditary cancer-predisposing syndrome. Last evaluated: 2026-01-09. Review status: criteria provided, single submitter. Criteria: Ambry Variant Classification Scheme 2023. Collection method: clinical testing. Allele origin: germline.
Comment: The c.5812-1G>A intronic variant results from a G to A substitution one nucleotide upstream from coding exon 43 of the POLE gene. This variant is considered to be rare based on population cohorts in the Genome Aggregation Database (gnomAD). This nucleotide position is highly conserved in available vertebrate species. In silico splice site analysis predicts that this alteration will weaken the native splice acceptor site and may result in the creation or strengthening of a novel splice acceptor site. Alterations that disrupt the canonical splice site are expected to cause aberrant splicing, resulting in an abnormal protein or a transcript that is subject to nonsense-mediated mRNA decay. Although biallelic loss of function of POLE has been associated with autosomal recessive POLE deficiency, haploinsufficiency of POLE has not been established as a mechanism of disease for POLE-related polymerase proofreading-associated polyposis (PPAP) and POLE-related CMMRD-like syndrome. Based on the supporting evidence, this variant is expected to be causative of POLE deficiency when present along with a second pathogenic variant on the other allele; however, its clinical significance for PPAP and POLE-related CMMRD-like syndrome is unclear.

Labcorp Genetics (formerly Invitae), Labcorp
Classification: Likely pathogenic. Last evaluated: 2022-06-03. Review status: criteria provided, single submitter. Criteria: Invitae Variant Classification Sherloc (09022015). Collection method: clinical testing. Allele origin: germline.
Comment: This sequence change affects an acceptor splice site in intron 42 of the POLE gene. It is expected to disrupt RNA splicing. Variants that disrupt the donor or acceptor splice site typically lead to a loss of protein function (PMID: 16199547), and loss-of-function variants in POLE are known to be pathogenic (PMID: 23230001, 25948378, 30503519). In summary, the currently available evidence indicates that the variant is pathogenic, but additional data are needed to prove that conclusively. Therefore, this variant has been classified as Likely Pathogenic. Algorithms developed to predict the effect of sequence changes on RNA splicing suggest that this variant may disrupt the consensus splice site. ClinVar contains an entry for this variant (Variation ID: 825989). This variant has not been reported in the literature in individuals affected with POLE-related conditions. This variant is not present in population databases (gnomAD no frequency).

Literature cited by the submitters: PubMed 16199547 (cited by Labcorp Genetics (formerly Invitae), Labcorp); PubMed 23230001 (cited by Labcorp Genetics (formerly Invitae), Labcorp); PubMed 25948378 (cited by Labcorp Genetics (formerly Invitae), Labcorp); PubMed 30503519 (cited by Labcorp Genetics (formerly Invitae), Labcorp).